The following is an entry in ClinVar:

NM_015895.5(GMNN):c.292T>C (p.Tyr98His)

Gene: GMNN (geminin DNA replication inhibitor; plus strand). Cytogenetic location: 6p22.3.
Variant type: single nucleotide variant.
Coding change: c.292T>C on transcript NM_015895.5 (MANE Select); coding-DNA position 292, T replaced by C.
Protein change: p.Tyr98His; replaces tyrosine 98 with histidine.
Molecular consequence: missense variant.
Genome position (GRCh38, 1-based): chr6:24,784,104, T>C. VCF-style: chr6-24784104-T-C. GRCh37 (hg19) VCF-style: chr6-24784332-T-C.
Other names: c.292T>C, p.Tyr98His (NM_001251989.2, NM_001251990.2, NM_001251991.1); short protein forms Y98H.
Identifiers: ClinVar variation 2852037 (VCV002852037.3), dbSNP rs2532441963, ClinGen allele CA362991008.

ClinVar aggregate classification (germline): Uncertain significance (1 of 4 stars; one submission).

Submission:

Labcorp Genetics (formerly Invitae), Labcorp
Classification: Uncertain significance. Last evaluated: 2025-06-12. Review status: criteria provided, single submitter. Criteria: Invitae Variant Classification Sherloc (09022015). Collection method: clinical testing. Allele origin: germline.
Comment: This sequence change replaces tyrosine, which is neutral and polar, with histidine, which is basic and polar, at codon 98 of the GMNN protein (p.Tyr98His). This variant is not present in population databases (gnomAD no frequency). This variant has not been reported in the literature in individuals affected with GMNN-related conditions. ClinVar contains an entry for this variant (Variation ID: 2852037). An algorithm developed to predict the effect of missense changes on protein structure and function (PolyPhen-2) suggests that this variant is likely to be disruptive. In summary, the available evidence is currently insufficient to determine the role of this variant in disease. Therefore, it has been classified as a Variant of Uncertain Significance.